The following is an entry in ClinVar:

ClinVar aggregate classification (germline): Uncertain significance (1 of 4 stars; one submission).

Allele frequency attached by ClinVar (database versions not stated): ExAC 0.00001.
gnomAD v4.1: 2 of 1,613,702 alleles (0.00012%); highest among the groups gnomAD compares: Admixed American, 0.0017%; no homozygotes.

Submission:

Labcorp Genetics (formerly Invitae), Labcorp
Classification: Uncertain significance. Last evaluated: 2022-10-26. Review status: criteria provided, single submitter. Criteria: Invitae Variant Classification Sherloc (09022015). Collection method: clinical testing. Allele origin: germline.
Comment: In summary, the available evidence is currently insufficient to determine the role of this variant in disease. Therefore, it has been classified as a Variant of Uncertain Significance. Algorithms developed to predict the effect of missense changes on protein structure and function (SIFT, PolyPhen-2, Align-GVGD) all suggest that this variant is likely to be tolerated. This variant has not been reported in the literature in individuals affected with REST-related conditions. This variant is present in population databases (rs754183550, gnomAD 0.003%). This sequence change replaces proline, which is neutral and non-polar, with alanine, which is neutral and non-polar, at codon 416 of the REST protein (p.Pro416Ala).

NM_005612.5(REST):c.1246C>G (p.Pro416Ala)

Gene: REST (RE1 silencing transcription factor; plus strand). Cytogenetic location: 4q12.
Variant type: single nucleotide variant.
Coding change: c.1246C>G on transcript NM_005612.5 (MANE Select); coding-DNA position 1246, C replaced by G.
Protein change: p.Pro416Ala; replaces proline 416 with alanine.
Molecular consequence: missense variant.
Genome position (GRCh38, 1-based): chr4:56,930,104, C>G. VCF-style: chr4-56930104-C-G. GRCh37 (hg19) VCF-style: chr4-57796270-C-G.
Other names: c.1246C>G, p.Pro416Ala (NM_001193508.2, NM_001363453.3); short protein forms P416A.
Identifiers: ClinVar variation 3015792 (VCV003015792.3), dbSNP rs754183550, ClinGen allele CA2932229.
Genomic context (GRCh38, chr4:56,930,104, plus strand): 5'-TATGCAGCTTCCAAGAAGTGTAATCTACAGTATCACTTCAAATCTAAGCATCCTACTTGT[C>G]CTAATAAAACAATGGATGTCTCAAAAGTGAAACTAAAGAAAACCAAAAAACGAGAGGCTG-3'
Protein context (NP_005603.3, residues 406-426): YHFKSKHPTC[Pro416Ala]NKTMDVSKVK